The following is an entry in ClinVar:

ClinVar aggregate classification (germline): Uncertain significance (1 of 4 stars; one submission).

gnomAD v4.1: 4 of 1,602,642 alleles (0.00025%); highest among the groups gnomAD compares: African/African-American, 0.0013%; no homozygotes.

Submission:

GeneDx
Classification: Uncertain significance. Last evaluated: 2024-06-12. Review status: criteria provided, single submitter. Criteria: GeneDx Variant Classification Process June 2021. Collection method: clinical testing. Allele origin: germline. Affected: yes.
Comment: Not observed at significant frequency in large population cohorts (gnomAD); In silico analysis indicates that this missense variant does not alter protein structure/function; Has not been previously published as pathogenic or benign to our knowledge

NM_015602.4(TOR1AIP1):c.178T>C (p.Ser60Pro)

Genes: TOR1AIP1 (torsin 1A interacting protein 1; plus strand), LOC112577517 (Sharpr-MPRA regulatory region 13766; plus strand). Cytogenetic location: 1q25.2.
Variant type: single nucleotide variant.
Coding change: c.178T>C on transcript NM_015602.4 (MANE Select); coding-DNA position 178, T replaced by C.
Protein change: p.Ser60Pro; replaces serine 60 with proline.
Molecular consequence: missense variant.
Genome position (GRCh38, 1-based): chr1:179,882,680, T>C. VCF-style: chr1-179882680-T-C. GRCh37 (hg19) VCF-style: chr1-179851815-T-C.
Other names: c.178T>C, p.Ser60Pro (NM_001267578.2); short protein forms S60P.
Identifiers: ClinVar variation 3390773 (VCV003390773.1).